The following is an entry in ClinVar:

NM_198282.4(STING1):c.695_696insGTGACCG (p.His232delinsGlnTer)

Gene: STING1 (stimulator of interferon response cGAMP interactor 1; minus strand). Cytogenetic location: 5q31.2.
Variant type: Insertion.
Coding change: c.695_696insGTGACCG on transcript NM_198282.4 (MANE Select); coding-DNA positions 695 to 696, GTGACCG inserted.
Protein change: p.His232delinsGlnTer.
Molecular consequence: nonsense.
Genome position: GRCh38 VCF-style: chr5-139478333-A-ACGGTCAC. GRCh37 (hg19) VCF-style: chr5-138857918-A-ACGGTCAC.
Other names: c.695_696insGTGACCG, p.His232delinsGlnTer (NM_001301738.2); c.338_339insGTGACCG, p.His113delinsGlnTer (NM_001367258.1).
Identifiers: ClinVar variation 2777601 (VCV002777601.3), dbSNP rs1751723763, ClinGen allele CA1586314330.

ClinVar aggregate classification (germline): Uncertain significance (1 of 4 stars; one submission).

Conditions:
STING-associated vasculopathy with onset in infancy. Also called: Sting-associated vasculopathy, infantile-onset. Identifiers: Orphanet 425120, MedGen C4014722, MONDO:0014405, OMIM 615934.

Submission:

Labcorp Genetics (formerly Invitae), Labcorp
Classification: Uncertain significance for STING-associated vasculopathy with onset in infancy. Last evaluated: 2023-09-12. Review status: criteria provided, single submitter. Criteria: Invitae Variant Classification Sherloc (09022015). Collection method: clinical testing. Allele origin: germline.
Comment: This variant is not present in population databases (gnomAD no frequency). In summary, the available evidence is currently insufficient to determine the role of this variant in disease. Therefore, it has been classified as a Variant of Uncertain Significance. Algorithms developed to predict the effect of sequence changes on RNA splicing suggest that this variant may create or strengthen a splice site. This variant has not been reported in the literature in individuals affected with TMEM173-related conditions. This sequence change creates a premature translational stop signal (p.His232Glnfs*2) in the TMEM173 gene. It is expected to result in an absent or disrupted protein product. However, the current clinical and genetic evidence is not sufficient to establish whether loss-of-function variants in TMEM173 cause disease.